The following is an entry in ClinVar:

ClinVar aggregate classification (germline): Uncertain significance (1 of 4 stars; one submission).

Conditions:
Peroxisome biogenesis disorder. Identifiers: Orphanet 79189, MedGen C1832200, MONDO:0019234. Disease mechanism: loss of function.

Submission:

Labcorp Genetics (formerly Invitae), Labcorp
Classification: Uncertain significance for Peroxisome biogenesis disorder. Last evaluated: 2022-06-29. Review status: criteria provided, single submitter. Criteria: Invitae Variant Classification Sherloc (09022015). Collection method: clinical testing. Allele origin: germline.
Comment: This sequence change replaces proline, which is neutral and non-polar, with threonine, which is neutral and polar, at codon 451 of the PEX6 protein (p.Pro451Thr). Information on the frequency of this variant in the gnomAD database is not available, as this variant may be reported differently in the database. This variant has not been reported in the literature in individuals affected with PEX6-related conditions. Experimental studies and prediction algorithms are not available or were not evaluated, and the functional significance of this variant is currently unknown. In summary, the available evidence is currently insufficient to determine the role of this variant in disease. Therefore, it has been classified as a Variant of Uncertain Significance.

NM_000287.4(PEX6):c.1350_1351delinsAA (p.Pro451Thr)

Gene: PEX6 (peroxisomal biogenesis factor 6; minus strand). Cytogenetic location: 6p21.1.
Variant type: Indel.
Coding change: c.1350_1351delinsAA on transcript NM_000287.4 (MANE Select); coding-DNA positions 1350 to 1351, GC replaced by AA.
Protein change: p.Pro451Thr; replaces proline 451 with threonine.
Molecular consequence: missense variant. On other transcripts: non-coding transcript variant (1).
Genome position (GRCh38, 1-based): chr6:42,969,684-42,969,685, GC replaced by TT on the plus strand (GC replaced by AA on the coding strand, the reverse complement: PEX6 is on the minus strand). VCF-style: chr6-42969684-GC-TT. GRCh37 (hg19) VCF-style: chr6-42937422-GC-TT.
Other names: c.1086_1087delinsAA, p.Pro363Thr (NM_001316313.2); short protein forms P451T, P363T.
Identifiers: ClinVar variation 2170597 (VCV002170597.1), dbSNP rs2481233328, ClinGen allele CA2580074567.